The following is an entry in ClinVar:

NM_000455.5(STK11):c.593C>A (p.Ala198Asp)

Gene: STK11 (serine/threonine kinase 11; plus strand). Cytogenetic location: 19p13.3.
Variant type: single nucleotide variant.
Coding change: c.593C>A on transcript NM_000455.5 (MANE Select); coding-DNA position 593, C replaced by A.
Protein change: p.Ala198Asp; replaces alanine 198 with aspartic acid.
Molecular consequence: missense variant.
Genome position (GRCh38, 1-based): chr19:1,220,501, C>A. VCF-style: chr19-1220501-C-A. GRCh37 (hg19) VCF-style: chr19-1220500-C-A.
Other names: short protein forms A198D.
Identifiers: ClinVar variation 1171789 (VCV001171789.3), dbSNP rs2145424694, ClinGen allele CA402949312.
Genomic context (GRCh38, chr19:1,220,501, plus strand): 5'-AGCCGGGGAACCTGCTGCTCACCACCGGTGGCACCCTCAAAATCTCCGACCTGGGCGTGG[C>A]CGAGGTAGGCACGTGCTAGGGGGGGCCCTGGGGCGCCCCCTCCCGGGCACTCCCTGAGGG-3'
Protein context (NP_000446.1, residues 188-208): GTLKISDLGV[Ala198Asp]EALHPFAADD

ClinVar aggregate classification (germline): Uncertain significance (1 of 4 stars; one submission).

Conditions:
Hereditary cancer-predisposing syndrome. Also called: Tumor predisposition; Hereditary neoplastic syndrome; Hereditary Cancer Syndrome; Neoplastic Syndromes, Hereditary. Identifiers: Orphanet 140162, MedGen C0027672, MeSH D009386, MONDO:0015356.

Submission:

Color Diagnostics, LLC DBA Color Health
Classification: Uncertain significance for Hereditary cancer-predisposing syndrome. Last evaluated: 2024-03-06. Review status: criteria provided, single submitter. Criteria: ACMG Guidelines, 2015. Collection method: clinical testing. Allele origin: germline.
Comment: This missense variant replaces alanine with aspartic acid at codon 198 of the STK11 protein. Computational prediction suggests that this variant may have deleterious impact on protein structure and function (internally defined REVEL score threshold >= 0.7, PMID: 27666373). To our knowledge, functional studies have not been reported for this variant. This variant has not been reported in individuals affected with hereditary cancer in the literature. This variant has not been identified in the general population by the Genome Aggregation Database (gnomAD). The available evidence is insufficient to determine the role of this variant in disease conclusively. Therefore, this variant is classified as a Variant of Uncertain Significance.